The following is an entry in ClinVar:

NM_000392.5(ABCC2):c.2020G>A (p.Gly674Ser)

Gene: ABCC2 (ATP binding cassette subfamily C member 2; plus strand). Cytogenetic location: 10q24.2.
Variant type: single nucleotide variant.
Coding change: c.2020G>A on transcript NM_000392.5 (MANE Select); coding-DNA position 2020, G replaced by A.
Protein change: p.Gly674Ser; replaces glycine 674 with serine.
Molecular consequence: missense variant.
Genome position (GRCh38, 1-based): chr10:99,813,070, G>A. VCF-style: chr10-99813070-G-A. GRCh37 (hg19) VCF-style: chr10-101572827-G-A.
Other names: short protein forms G674S.
Identifiers: ClinVar variation 877967 (VCV000877967.5), dbSNP rs778892744, ClinGen allele CA5643373.

ClinVar aggregate classification (germline): Uncertain significance. Review status: criteria provided, multiple submitters, no conflicts (2 of 4 stars). 2 submissions from 2 submitters: Uncertain significance (2). Last evaluated 2026-08-06.

Conditions:
Dubin-Johnson syndrome (DJS). Also called: HYPERBILIRUBINEMIA, DUBIN-JOHNSON TYPE; Hyperbilirubinemia type 2; Jaundice, Chronic Idiopathic. Identifiers: Orphanet 234, MedGen C0022350, MONDO:0009380, OMIM 237500.

Allele frequency attached by ClinVar (database versions not stated): ExAC 0.00002; gnomAD exomes 0.00004 and 0.00005; gnomAD 0.00003; TOPMed 0.00003.
gnomAD v4.1: 77 of 1,613,882 alleles (0.0048%); highest among the groups gnomAD compares: Middle Eastern, 0.016%; no homozygotes.

Submissions (2):

OLLIN Analises Genomicas, OLLIN
Classification: Uncertain significance for Dubin-Johnson syndrome. Last evaluated: 2026-08-06. Review status: criteria provided, single submitter. Criteria: ACMG Guidelines 2015 PMID 25741868. Collection method: clinical testing. Allele origin: germline. Inheritance: Autosomal recessive inheritance.
Comment: This missense variant, located in exon 16 (of 32), has been reported in ClinVar (accession VCV000877967.4) and in gnomAD with an allele frequency of 0.0048%. However, to our knowledge, it has not been reported in the scientific literature. In silico analysis predicts that this variant has a deleterious effect. According to the currently available evidence, this variant has been classified as uncertain significance (PM2_P, PP3_S).

Illumina Laboratory Services, Illumina
Classification: Uncertain significance for Dubin-Johnson syndrome. Last evaluated: 2018-01-12. Review status: criteria provided, single submitter. Criteria: ICSL Variant Classification Criteria 13 December 2019. Collection method: clinical testing. Allele origin: germline.